The following is an entry in ClinVar:

ClinVar aggregate classification (germline): Uncertain significance (1 of 4 stars; one submission).

Conditions:
Cardiovascular phenotype. Identifiers: MedGen CN230736.

Allele frequency attached by ClinVar (database versions not stated): TOPMed below 0.00001.
gnomAD v4.1: 1 of 1,614,224 alleles (0.000062%); highest among the groups gnomAD compares: Non-Finnish European, 0.000085%; no homozygotes.

Submission:

Ambry Genetics
Classification: Uncertain significance for Cardiovascular phenotype. Last evaluated: 2022-05-20. Review status: criteria provided, single submitter. Criteria: Ambry Variant Classification Scheme 2023. Collection method: clinical testing. Allele origin: germline.
Comment: The p.N40K variant (also known as c.120C>G), located in coding exon 1 of the MYPN gene, results from a C to G substitution at nucleotide position 120. The asparagine at codon 40 is replaced by lysine, an amino acid with similar properties. This amino acid position is conserved. In addition, this alteration is predicted to be tolerated by in silico analysis. Since supporting evidence is limited at this time, the clinical significance of this alteration remains unclear.

NM_032578.4(MYPN):c.120C>G (p.Asn40Lys)

Gene: MYPN (myopalladin; plus strand). Cytogenetic location: 10q21.3.
Variant type: single nucleotide variant.
Coding change: c.120C>G on transcript NM_032578.4 (MANE Select); coding-DNA position 120, C replaced by G.
Protein change: p.Asn40Lys; replaces asparagine 40 with lysine.
Molecular consequence: missense variant. On other transcripts: 5 prime UTR variant (1), non-coding transcript variant (1).
Genome position (GRCh38, 1-based): chr10:68,121,558, C>G. VCF-style: chr10-68121558-C-G. GRCh37 (hg19) VCF-style: chr10-69881315-C-G.
Other names: c.120C>G, p.Asn40Lys (NM_001256267.2); c.-1003C>G (NM_001256268.2); short protein forms N40K.
Identifiers: ClinVar variation 1749755 (VCV001749755.2), dbSNP rs750516979, ClinGen allele CA377103647.
Genomic context (GRCh38, chr10:68,121,558, plus strand): 5'-TTTAGCTGAAACCAGACATCGGGGAAACAATGAGAGGAGTCGAGCGGAGCCCTCCTCCAA[C>G]CCTTGCCATTTCGGCAGTCCTTCTGGGGCCGCTGAAGGAGGCGGAGGCCAAGATGACCTT-3'
Protein context (NP_115967.2, residues 30-50): NERSRAEPSS[Asn40Lys]PCHFGSPSGA